The following is an entry in ClinVar:

NM_001194.4(HCN2):c.1338C>T (p.Leu446=)

Gene: HCN2 (hyperpolarization activated cyclic nucleotide gated potassium and sodium channel 2; plus strand). Cytogenetic location: 19p13.3.
Variant type: single nucleotide variant.
Coding change: c.1338C>T on transcript NM_001194.4 (MANE Select); coding-DNA position 1338, C replaced by T.
Protein change: p.Leu446=; no amino-acid change (leucine 446 retained).
Molecular consequence: synonymous variant.
Genome position (GRCh38, 1-based): chr19:608,083, C>T. VCF-style: chr19-608083-C-T. GRCh37 (hg19) VCF-style: chr19-608083-C-T.
Other names: c.1338C>T (NM_001194.3).
Identifiers: ClinVar variation 2648846 (VCV002648846.26), dbSNP rs146953957, ClinGen allele CA9018418.

ClinVar aggregate classification (germline): Likely benign. Review status: criteria provided, multiple submitters, no conflicts (2 of 4 stars). 3 submissions from 3 submitters: Likely benign (2). 1 of the submissions does not count toward it. Last evaluated 2022-10-01.

Conditions:
HCN2-related disorder. Also called: HCN2-related condition.

Allele frequency attached by ClinVar (database versions not stated): gnomAD exomes 0.00018; ExAC 0.00023; gnomAD 0.00050; TOPMed 0.00057; ESP Exome Variant Server 0.00085.
gnomAD v4.1: 336 of 1,613,154 alleles (0.021%); highest among the groups gnomAD compares: African/African-American, 0.18%; no homozygotes.

Submissions (3):

CeGaT Center for Human Genetics Tuebingen
Classification: Likely benign. Last evaluated: 2022-10-01. Review status: criteria provided, single submitter. Criteria: CeGaT Center For Human Genetics Tuebingen Variant Classification Criteria Version 2. Collection method: clinical testing. Allele origin: germline. Affected: yes. Observed: 1 variant allele.
Comment: HCN2: BP4, BP7

Breakthrough Genomics
Classification: Likely benign. Review status: criteria provided, single submitter. Criteria: ACMG Guidelines, 2015. Collection method: not provided. Allele origin: germline. Inheritance: Autosomal dominant inheritance. Affected: yes.

PreventionGenetics, part of Exact Sciences
Classification: Likely benign for HCN2-related condition. Last evaluated: 2019-10-28. Review status: no assertion criteria provided. Collection method: clinical testing. Allele origin: germline. Not counted in ClinVar's aggregate classification.
Comment: This variant is classified as likely benign based on ACMG/AMP sequence variant interpretation guidelines (Richards et al. 2015 PMID: 25741868, with internal and published modifications).